The following is an entry in ClinVar:

NM_007126.5(VCP):c.742G>A (p.Gly248Arg)

Gene: VCP (valosin containing protein; minus strand). Cytogenetic location: 9p13.3.
Variant type: single nucleotide variant.
Coding change: c.742G>A on transcript NM_007126.5 (MANE Select); coding-DNA position 742, G replaced by A.
Protein change: p.Gly248Arg; replaces glycine 248 with arginine.
Molecular consequence: missense variant.
Genome position (GRCh38, 1-based): chr9:35,063,047, C>T on the plus strand (G>A on the coding strand, the complement: VCP is on the minus strand). VCF-style: chr9-35063047-C-T. GRCh37 (hg19) VCF-style: chr9-35063044-C-T.
Other names: c.607G>A, p.Gly203Arg (NM_001354927.2, NM_001354928.2); short protein forms G203R, G248R.
Identifiers: ClinVar variation 2584478 (VCV002584478.1), dbSNP rs2490360302, ClinGen allele CA373286497.

ClinVar aggregate classification (germline): Likely pathogenic (1 of 4 stars; one submission).

Conditions:
VCP-related disorder. Also called: VCP-related condition; VCP-related disorders.

Submission:

Rady Children's Institute for Genomic Medicine, Rady Children's Hospital San Diego
Classification: Likely pathogenic for VCP-related disorders. Review status: criteria provided, single submitter. Criteria: ACMG Guidelines, 2015. Collection method: clinical testing. Allele origin: germline. Affected: yes.
Comment: This variant has not been previously reported or functionally characterized in the literature to our knowledge. It is absent from the gnomAD population database and thus is presumed to be rare. The c.742G>A (p.Gly248Arg) variant affects a highly conserved amino acid and is predicted by multiple in silico tools to have a deleterious effect on protein function. Based on the available evidence, the c.742G>A (p.Gly248Arg) variant is classified as Likely Pathogenic.